The following is an entry in ClinVar:

NM_007103.4(NDUFV1):c.1081-1G>A

Genes: NDUFV1 (NADH:ubiquinone oxidoreductase core subunit V1; plus strand), LOC126861242 (CDK7 strongly-dependent group 2 enhancer GRCh37_chr11:67379204-67380403; plus strand). Cytogenetic location: 11q13.2.
Variant type: single nucleotide variant.
Coding change: c.1081-1G>A on transcript NM_007103.4 (MANE Select); the canonical splice acceptor site of the intron before coding-DNA position 1081, G replaced by A.
Molecular consequence: splice acceptor variant.
Genome position (GRCh38, 1-based): chr11:67,611,896, G>A. VCF-style: chr11-67611896-G-A. GRCh37 (hg19) VCF-style: chr11-67379367-G-A.
Other names: c.1054-1G>A (NM_001166102.2).
Identifiers: ClinVar variation 5004964 (VCV005004964.2).

ClinVar aggregate classification (germline): Likely pathogenic (1 of 4 stars; one submission).

Conditions:
Mitochondrial complex I deficiency, nuclear type 4. Also called: Mitochondrial complex 1 deficiency, nuclear type 4. Identifiers: MedGen C4748753, MONDO:0032609, OMIM 618225.

Submission:

Juno Genomics, Hangzhou Juno Genomics, Inc
Classification: Likely pathogenic for Mitochondrial complex I deficiency, nuclear type 4. Review status: criteria provided, single submitter. Criteria: ACMG Guidelines, 2015. Collection method: clinical testing. Allele origin: germline.
Comment: Null variant in a gene where loss of function (LOF) is a known mechanism of disease.;Absent from controls (or at extremely low frequency if recessive) in Genome Aggregation Database.